The following is an entry in ClinVar:

NM_005676.5(RBM10):c.1261G>T (p.Gly421Trp)

Gene: RBM10 (RNA binding motif protein 10; plus strand). Cytogenetic location: Xp11.3.
Variant type: single nucleotide variant.
Coding change: c.1261G>T on transcript NM_005676.5 (MANE Select); coding-DNA position 1261, G replaced by T.
Protein change: p.Gly421Trp; replaces glycine 421 with tryptophan.
Molecular consequence: missense variant.
Genome position (GRCh38, 1-based): chrX:47,181,227, G>T. VCF-style: chrX-47181227-G-T. GRCh37 (hg19) VCF-style: chrX-47040626-G-T.
Other names: c.1030G>T, p.Gly344Trp (NM_001204466.2); c.1258G>T, p.Gly420Trp (NM_001204467.2); c.1456G>T, p.Gly486Trp (NM_001204468.2); c.1027G>T, p.Gly343Trp (NM_152856.3); short protein forms G344W, G421W, G343W, G420W, G486W.
Identifiers: ClinVar variation 2096599 (VCV002096599.4), dbSNP rs2147183752, ClinGen allele CA412800519.
Genomic context (GRCh38, chrX:47,181,227, plus strand): 5'-ACCCCCACACCTTCCTGTTCTAATGAACCCCTCCCACCTGCCCTTCAGGCCTCCCAAGGT[G>T]GGGAGGGTACCTGGGCCACCTCCGAGGAGCCGCCGGTCGACTACAGCTACTACCAACAGG-3'
Protein context (NP_005667.2, residues 411-431): QWAISQASQG[Gly421Trp]EGTWATSEEP

ClinVar aggregate classification (germline): Uncertain significance (1 of 4 stars; one submission).

Submission:

Labcorp Genetics (formerly Invitae), Labcorp
Classification: Uncertain significance. Last evaluated: 2023-12-07. Review status: criteria provided, single submitter. Criteria: Invitae Variant Classification Sherloc (09022015). Collection method: clinical testing. Allele origin: germline.
Comment: This sequence change replaces glycine, which is neutral and non-polar, with tryptophan, which is neutral and slightly polar, at codon 421 of the RBM10 protein (p.Gly421Trp). This variant is not present in population databases (gnomAD no frequency). This variant has not been reported in the literature in individuals affected with RBM10-related conditions. ClinVar contains an entry for this variant (Variation ID: 2096599). Advanced modeling of protein sequence and biophysical properties (such as structural, functional, and spatial information, amino acid conservation, physicochemical variation, residue mobility, and thermodynamic stability) performed at Invitae indicates that this missense variant is not expected to disrupt RBM10 protein function with a negative predictive value of 80%. In summary, the available evidence is currently insufficient to determine the role of this variant in disease. Therefore, it has been classified as a Variant of Uncertain Significance.